The following is an entry in ClinVar:

NM_000038.6(APC):c.3691_3692insA (p.Leu1231fs)

Gene: APC (APC regulator of Wnt signaling pathway; plus strand). Cytogenetic location: 5q22.2.
Variant type: Insertion.
Coding change: c.3691_3692insA on transcript NM_000038.6 (MANE Select); coding-DNA positions 3691 to 3692, A inserted.
Protein change: p.Leu1231fs; shifts the reading frame from leucine 1231.
Molecular consequence: frameshift variant.
Genome position: GRCh38 VCF-style: chr5-112839285-C-CA. GRCh37 (hg19) VCF-style: chr5-112174982-C-CA.
Other names: c.3691_3692insA, p.Leu1231fs (NM_001127510.3, NM_001354895.2); c.3637_3638insA, p.Leu1213fs (NM_001127511.3); c.3745_3746insA, p.Leu1249fs (NM_001354896.2); c.3721_3722insA, p.Leu1241fs (NM_001354897.2); c.3616_3617insA, p.Leu1206fs (NM_001354898.2); c.3607_3608insA, p.Leu1203fs (NM_001354899.2); c.3568_3569insA, p.Leu1190fs (NM_001354900.2); c.3514_3515insA, p.Leu1172fs (NM_001354901.2); and 16 more; short protein forms L1105fs, L1130fs, L1140fs, L1249fs, L1206fs, L1071fs, L1172fs, L1203fs.
Identifiers: ClinVar variation 2031582 (VCV002031582.4), dbSNP rs2533516995, ClinGen allele CA2580072966.

ClinVar aggregate classification (germline): Pathogenic (1 of 4 stars; one submission).

Conditions:
Familial adenomatous polyposis 1 (FAP1). Also called: POLYPOSIS, ADENOMATOUS INTESTINAL; FAMILIAL ADENOMATOUS POLYPOSIS 1, ATTENUATED. Identifiers: MedGen C2713442, MONDO:0021056, OMIM 175100. Disease mechanism: loss of function.

Submission:

Labcorp Genetics (formerly Invitae), Labcorp
Classification: Pathogenic for Familial adenomatous polyposis 1. Last evaluated: 2022-09-21. Review status: criteria provided, single submitter. Criteria: Invitae Variant Classification Sherloc (09022015). Collection method: clinical testing. Allele origin: germline.
Comment: This variant is expected to disrupt the EB1 and HDLG binding sites, which mediate interactions with the cytoskeleton (PMID: 15311282, 17293347). While functional studies have not been performed to directly test the effect on APC protein function, this suggests that disruption of the C-terminal portion of the protein is functionally important. For these reasons, this variant has been classified as Pathogenic. A different truncation (p.Tyr2645Lysfs*14) that lies downstream of this variant has been determined to be pathogenic (PMID: 9824584, 1316610, 27081525, 8381579, 22135120, Invitae). This suggests that deletion of this region of the APC protein is causative of disease. This variant has not been reported in the literature in individuals affected with APC-related conditions. This variant is not present in population databases (gnomAD no frequency). This sequence change creates a premature translational stop signal (p.Leu1231Hisfs*9) in the APC gene. While this is not anticipated to result in nonsense mediated decay, it is expected to disrupt the last 1613 amino acid(s) of the APC protein.

Literature cited by the submitters: PubMed 15311282; PubMed 17293347; PubMed 9824584; PubMed 1316610; PubMed 27081525; PubMed 8381579; PubMed 22135120.